The following is an entry in ClinVar:

ClinVar aggregate classification (germline): Uncertain significance (1 of 4 stars; one submission).

Submission:

GeneDx
Classification: Uncertain significance. Last evaluated: 2025-02-18. Review status: criteria provided, single submitter. Criteria: GeneDx Variant Classification Process June 2021. Collection method: clinical testing. Allele origin: germline. Affected: yes.
Comment: Not observed at significant frequency in large population cohorts (gnomAD); Nonsense variant predicted to result in protein truncation as the last 14 amino acid(s) are lost; Has not been previously published as pathogenic or benign to our knowledge

NM_022893.4(BCL11A):c.2466G>A (p.Trp822Ter)

Gene: BCL11A (BCL11 transcription factor A; minus strand). Cytogenetic location: 2p16.1.
Variant type: single nucleotide variant.
Coding change: c.2466G>A on transcript NM_022893.4 (MANE Select); coding-DNA position 2466, G replaced by A.
Protein change: p.Trp822Ter; replaces tryptophan 822 with a stop codon.
Molecular consequence: nonsense. On other transcripts: intron variant (16).
Genome position (GRCh38, 1-based): chr2:60,460,446, C>T on the plus strand (G>A on the coding strand, the complement: BCL11A is on the minus strand). VCF-style: chr2-60460446-C-T. GRCh37 (hg19) VCF-style: chr2-60687581-C-T.
Other names: c.2364G>A, p.Trp788Ter (NM_001365609.1, NM_001405711.1, NM_001405712.1); c.2466G>A, p.Trp822Ter (NM_001405708.1, NM_001405709.1); c.2310G>A, p.Trp770Ter (NM_001405713.1, NM_001405714.1, NM_001405715.1); c.2208G>A, p.Trp736Ter (NM_001405717.1, NM_001405718.1); c.2133G>A, p.Trp711Ter (NM_001405720.1, NM_001405721.1); c.2010G>A, p.Trp670Ter (NM_001405725.1, NM_001405726.1, NM_001405727.1 and 1 more transcripts); c.1773G>A, p.Trp591Ter (NM_001405729.1); c.630+1836G>A (NM_138559.2, NM_001405732.1); and 12 more; short protein forms W591*, W670*, W711*, W736*, W770*, W788*, W822*.
Identifiers: ClinVar variation 4075638 (VCV004075638.1).